The following is an entry in ClinVar:

ClinVar aggregate classification (germline): Uncertain significance. Review status: criteria provided, multiple submitters, no conflicts (2 of 4 stars). 2 submissions from 2 submitters: Uncertain significance (2). Last evaluated 2025-03-24.

Conditions:
Ataxia-telangiectasia syndrome (AT). Also called: Cerebello-oculocutaneous telangiectasia; Immunodeficiency with ataxia telangiectasia; Ataxia telangiectasia (A-T); Ataxia-telangiectasia, complementation group E; LOUIS-BAR SYNDROME; Ataxia-telangiectasia. Identifiers: Orphanet 100, MedGen C0004135, MONDO:0008840, OMIM 208900.
Hereditary cancer-predisposing syndrome. Also called: Hereditary neoplastic syndrome; Tumor predisposition; Hereditary Cancer Syndrome; Neoplastic Syndromes, Hereditary. Identifiers: Orphanet 140162, MedGen C0027672, MeSH D009386, MONDO:0015356.

Submissions (2):

Ambry Genetics
Classification: Uncertain significance for Hereditary cancer-predisposing syndrome. Last evaluated: 2025-03-24. Review status: criteria provided, single submitter. Criteria: Ambry Variant Classification Scheme 2023. Collection method: clinical testing. Allele origin: germline.
Comment: The p.G1002R variant (also known as c.3004G>C), located in coding exon 19 of the ATM gene, results from a G to C substitution at nucleotide position 3004. The glycine at codon 1002 is replaced by arginine, an amino acid with dissimilar properties. This amino acid position is not well conserved in available vertebrate species. In addition, this alteration is predicted to be tolerated by in silico analysis. Based on the available evidence, the clinical significance of this variant remains unclear.

Labcorp Genetics (formerly Invitae), Labcorp
Classification: Uncertain significance for Ataxia-telangiectasia syndrome. Last evaluated: 2022-06-24. Review status: criteria provided, single submitter. Criteria: Invitae Variant Classification Sherloc (09022015). Collection method: clinical testing. Allele origin: germline.
Comment: This sequence change replaces glycine, which is neutral and non-polar, with arginine, which is basic and polar, at codon 1002 of the ATM protein (p.Gly1002Arg). This variant is not present in population databases (gnomAD no frequency). This variant has not been reported in the literature in individuals affected with ATM-related conditions. ClinVar contains an entry for this variant (Variation ID: 575537). Advanced modeling of protein sequence and biophysical properties (such as structural, functional, and spatial information, amino acid conservation, physicochemical variation, residue mobility, and thermodynamic stability) performed at Invitae indicates that this missense variant is not expected to disrupt ATM protein function. In summary, the available evidence is currently insufficient to determine the role of this variant in disease. Therefore, it has been classified as a Variant of Uncertain Significance.

NM_000051.4(ATM):c.3004G>C (p.Gly1002Arg)

Gene: ATM (ATM serine/threonine kinase; plus strand). Cytogenetic location: 11q22.3.
Variant type: single nucleotide variant.
Coding change: c.3004G>C on transcript NM_000051.4 (MANE Select); coding-DNA position 3004, G replaced by C.
Protein change: p.Gly1002Arg; replaces glycine 1002 with arginine.
Molecular consequence: missense variant.
Genome position (GRCh38, 1-based): chr11:108,271,333, G>C. VCF-style: chr11-108271333-G-C. GRCh37 (hg19) VCF-style: chr11-108142060-G-C.
Other names: c.3004G>C, p.Gly1002Arg (NM_001351834.2); short protein forms G1002R.
Identifiers: ClinVar variation 575537 (VCV000575537.13), dbSNP rs1565425547, ClinGen allele CA382547411.